The following is an entry in ClinVar:

NM_001365536.1(SCN9A):c.1213T>C (p.Tyr405His)

Genes: SCN1A-AS1 (SCN1A and SCN9A antisense RNA 1; plus strand), SCN9A (sodium voltage-gated channel alpha subunit 9; minus strand). Cytogenetic location: 2q24.3.
Variant type: single nucleotide variant.
Coding change: c.1213T>C on transcript NM_001365536.1 (MANE Select); coding-DNA position 1213, T replaced by C.
Protein change: p.Tyr405His; replaces tyrosine 405 with histidine.
Molecular consequence: missense variant.
Genome position (GRCh38, 1-based): chr2:166,288,538, A>G on the plus strand (T>C on the coding strand, the complement: SCN9A is on the minus strand). VCF-style: chr2-166288538-A-G. GRCh37 (hg19) VCF-style: chr2-167145048-A-G.
Other names: c.1213T>C, p.Tyr405His (NM_002977.4); short protein forms Y405H.
Identifiers: ClinVar variation 2926092 (VCV002926092.3), dbSNP rs2468048369, ClinGen allele CA349085875.

ClinVar aggregate classification (germline): Uncertain significance (1 of 4 stars; one submission).

Conditions:
Neuropathy, hereditary sensory and autonomic, type 2A (HSAN2A). Also called: MORVAN DISEASE; NEUROPATHY, CONGENITAL SENSORY; NEUROPATHY, HEREDITARY SENSORY RADICULAR, AUTOSOMAL RECESSIVE; NEUROPATHY, HEREDITARY SENSORY, TYPE IIA; NEUROPATHY, PROGRESSIVE SENSORY, OF CHILDREN; ACROOSTEOLYSIS, GIACCAI TYPE. Identifiers: Orphanet 970, MedGen C2752089, MONDO:0024309, OMIM 201300.
Generalized epilepsy with febrile seizures plus, type 7 (GEFSP7). Also called: GEFS+, TYPE 7. Identifiers: Orphanet 36387, MedGen C2751778, MONDO:0013470, OMIM 613863.

Allele frequency attached by ClinVar (database versions not stated): gnomAD exomes below 0.00001.
gnomAD v4.1: 1 of 1,613,192 alleles (0.000062%); highest among the groups gnomAD compares: Non-Finnish European, 0.000085%; no homozygotes.

Submission:

Labcorp Genetics (formerly Invitae), Labcorp
Classification: Uncertain significance for Neuropathy, hereditary sensory and autonomic, type 2A; Generalized epilepsy with febrile seizures plus, type 7. Last evaluated: 2022-12-25. Review status: criteria provided, single submitter. Criteria: Invitae Variant Classification Sherloc (09022015). Collection method: clinical testing. Allele origin: germline.
Comment: This sequence change replaces tyrosine, which is neutral and polar, with histidine, which is basic and polar, at codon 405 of the SCN9A protein (p.Tyr405His). This variant is not present in population databases (gnomAD no frequency). This variant has not been reported in the literature in individuals affected with SCN9A-related conditions. Algorithms developed to predict the effect of missense changes on protein structure and function (SIFT, PolyPhen-2, Align-GVGD) all suggest that this variant is likely to be disruptive. In summary, the available evidence is currently insufficient to determine the role of this variant in disease. Therefore, it has been classified as a Variant of Uncertain Significance.